The following is an entry in ClinVar:

ClinVar aggregate classification (germline): Likely benign. Review status: criteria provided, multiple submitters, no conflicts (2 of 4 stars). 3 submissions from 3 submitters: Likely benign (2). 1 of the submissions does not count toward it. Last evaluated 2026-08-01.

Conditions:
Generalized epilepsy-paroxysmal dyskinesia syndrome (PNKD3). Also called: Generalized epilepsy and paroxysmal dyskinesia; Paroxysmal nonkinesigenic dyskinesia, 3, with or without generalized epilepsy. Identifiers: Orphanet 79137, MedGen C5574945, MONDO:0012276, OMIM 609446.
KCNMA1-related disorder. Also called: KCNMA1-related condition; KCNMA1-related disorders.

Allele frequency attached by ClinVar (database versions not stated): gnomAD 0.00004 and 0.00005; ExAC 0.00006; TOPMed 0.00006; gnomAD exomes 0.00007 and 0.00011; ESP Exome Variant Server 0.00008.
gnomAD v4.1: 175 of 1,613,828 alleles (0.011%); highest among the groups gnomAD compares: South Asian, 0.024%; no homozygotes.

Submissions (3):

CeGaT Center for Human Genetics Tuebingen
Classification: Likely benign. Last evaluated: 2026-08-01. Review status: criteria provided, single submitter. Criteria: CeGaT Center For Human Genetics Tuebingen Variant Classification Criteria Version 2. Collection method: clinical testing. Allele origin: germline. Affected: yes. Observed: 1 variant allele.
Comment: KCNMA1: BP4, BP7

Labcorp Genetics (formerly Invitae), Labcorp
Classification: Likely benign for Generalized epilepsy-paroxysmal dyskinesia syndrome. Last evaluated: 2024-10-31. Review status: criteria provided, single submitter. Criteria: Invitae Variant Classification Sherloc (09022015). Collection method: clinical testing. Allele origin: germline.

PreventionGenetics, part of Exact Sciences
Classification: Likely benign for KCNMA1-related condition. Last evaluated: 2022-01-26. Review status: no assertion criteria provided. Collection method: clinical testing. Allele origin: germline. Not counted in ClinVar's aggregate classification.
Comment: This variant is classified as likely benign based on ACMG/AMP sequence variant interpretation guidelines (Richards et al. 2015 PMID: 25741868, with internal and published modifications).

NM_001161352.2(KCNMA1):c.2427C>T (p.Tyr809=)

Genes: KCNMA1-AS1 (KCNMA1 antisense RNA 1; plus strand), KCNMA1 (potassium calcium-activated channel subfamily M alpha 1; minus strand). Cytogenetic location: 10q22.3.
Variant type: single nucleotide variant.
Coding change: c.2427C>T on transcript NM_001161352.2 (MANE Select); coding-DNA position 2427, C replaced by T.
Protein change: p.Tyr809=; no amino-acid change (tyrosine 809 retained).
Molecular consequence: synonymous variant.
Genome position (GRCh38, 1-based): chr10:76,953,858, G>A on the plus strand (C>T on the coding strand, the complement: KCNMA1 is on the minus strand). VCF-style: chr10-76953858-G-A. GRCh37 (hg19) VCF-style: chr10-78713616-G-A.
Other names: c.2253C>T (NM_002247.3); c.2265C>T, p.Tyr755= (NM_001014797.3, NM_001322835.2, NM_001322837.2); c.2253C>T, p.Tyr751= (NM_001161353.2, NM_001322832.2, NM_002247.4); c.2103C>T, p.Tyr701= (NM_001271518.2); c.2262C>T, p.Tyr754= (NM_001271519.2, NM_001322829.2, NM_001322836.2); c.2274C>T, p.Tyr758= (NM_001322830.2); c.1800C>T, p.Tyr600= (NM_001322838.2).
Identifiers: ClinVar variation 1119026 (VCV001119026.12), dbSNP rs202085429, ClinGen allele CA5568090.